The following is an entry in ClinVar:

ClinVar aggregate classification (germline): Pathogenic (1 of 4 stars; one submission).

Conditions:
Leber congenital amaurosis 9 (LCA9). Also called: LCA9 Leber Congenital Amaurosis; LCA 9; Amaurosis congenita of Leber, type 9. Identifiers: Orphanet 65, MedGen C1837873, MONDO:0012056, OMIM 608553.

Submission:

Labcorp Genetics (formerly Invitae), Labcorp
Classification: Pathogenic for Leber congenital amaurosis 9. Last evaluated: 2022-11-01. Review status: criteria provided, single submitter. Criteria: Invitae Variant Classification Sherloc (09022015). Collection method: clinical testing. Allele origin: germline.
Comment: For these reasons, this variant has been classified as Pathogenic. This variant has not been reported in the literature in individuals affected with NMNAT1-related conditions. This variant is a gross deletion of the genomic region encompassing exon(s) 2-3 of the NMNAT1 gene, which includes the initiator codon. This deletion extends beyond the assayed region for this gene and therefore may encompass additional genes. It is expected to result in an absent or disrupted protein product. Loss-of-function variants in NMNAT1 are known to be pathogenic (PMID: 22842229).

Literature cited by the submitters: PubMed 22842229.

NC_000001.10:g.(?_10032132)_(10035853_?)del

Gene: NMNAT1 (nicotinamide nucleotide adenylyltransferase 1; plus strand). Cytogenetic location: 1p36.22.
Variant type: Deletion.
Identifiers: ClinVar variation 2426775 (VCV002426775.3).